The following is an entry in ClinVar:

NM_198586.3(NHLRC1):c.*875T>C

Gene: NHLRC1 (NHL repeat containing E3 ubiquitin protein ligase 1; minus strand). Cytogenetic location: 6p22.3.
Variant type: single nucleotide variant.
Coding change: c.*875T>C on transcript NM_198586.3 (MANE Select); 875 bases downstream of the stop codon, T replaced by C.
Molecular consequence: 3 prime UTR variant.
Genome position (GRCh38, 1-based): chr6:18,120,544, A>G on the plus strand (T>C on the coding strand, the complement: NHLRC1 is on the minus strand). VCF-style: chr6-18120544-A-G. GRCh37 (hg19) VCF-style: chr6-18120775-A-G.
Identifiers: ClinVar variation 356056 (VCV000356056.5), dbSNP rs72839174, ClinGen allele CA10626288.

ClinVar aggregate classification (germline): Likely benign (1 of 4 stars; one submission).

Conditions:
Lafora disease. Also called: Epilepsy progressive myoclonic 2. Identifiers: Orphanet 501, MedGen C0751783, MONDO:0009697.

Allele frequency attached by ClinVar (database versions not stated): gnomAD 0.00296; TOPMed 0.00372; 1000 Genomes Project 0.00379; 1000 Genomes Project 30x 0.00406.

Submission:

Illumina Laboratory Services, Illumina
Classification: Likely benign for Myoclonic epilepsy of Lafora 1. Last evaluated: 2018-01-12. Review status: criteria provided, single submitter. Criteria: ICSL Variant Classification Criteria 13 December 2019. Collection method: clinical testing. Allele origin: germline.
Comment: This variant was observed in the ICSL laboratory as part of a predisposition screen in an ostensibly healthy population. It had not been previously curated by ICSL or reported in the Human Gene Mutation Database (HGMD: prior to June 1st, 2018), and was therefore a candidate for classification through an automated scoring system. Utilizing variant allele frequency, disease prevalence and penetrance estimates, and inheritance mode, an automated score was calculated to assess if this variant is too frequent to cause the disease. Based on the score and internal cut-off values, a variant classified as likely benign is not then subjected to further curation. The score for this variant resulted in a classification of likely benign for this disease.